The following is an entry in ClinVar:

ClinVar aggregate classification (germline): Uncertain significance (1 of 4 stars; one submission).

Conditions:
Kleefstra syndrome 1 (KLEFS1). Identifiers: Orphanet 261494, MedGen C0795833, MONDO:0027407, OMIM 610253.

Submission:

Labcorp Genetics (formerly Invitae), Labcorp
Classification: Uncertain significance for Kleefstra syndrome 1. Last evaluated: 2022-07-19. Review status: criteria provided, single submitter. Criteria: Invitae Variant Classification Sherloc (09022015). Collection method: clinical testing. Allele origin: germline.
Comment: In summary, the available evidence is currently insufficient to determine the role of this variant in disease. Therefore, it has been classified as a Variant of Uncertain Significance. Algorithms developed to predict the effect of sequence changes on RNA splicing suggest that this variant is not likely to affect RNA splicing. ClinVar contains an entry for this variant (Variation ID: 1496128). This variant has been observed in individual(s) with clinical features of Kleefstra syndrome (Invitae). This variant is not present in population databases (gnomAD no frequency). This sequence change affects codon 1154 of the EHMT1 mRNA. It is a 'silent' change, meaning that it does not change the encoded amino acid sequence of the EHMT1 protein. It affects a nucleotide within the consensus splice site.

NM_024757.5(EHMT1):c.3462G>A (p.Glu1154=)

Gene: EHMT1 (euchromatic histone lysine methyltransferase 1; plus strand). Cytogenetic location: 9q34.3.
Variant type: single nucleotide variant.
Coding change: c.3462G>A on transcript NM_024757.5 (MANE Select); coding-DNA position 3462, G replaced by A.
Protein change: p.Glu1154=; no amino-acid change (glutamic acid 1154 retained).
Molecular consequence: synonymous variant.
Genome position (GRCh38, 1-based): chr9:137,818,060, G>A. VCF-style: chr9-137818060-G-A. GRCh37 (hg19) VCF-style: chr9-140712512-G-A.
Other names: c.3441G>A, p.Glu1147= (NM_001354263.2).
Identifiers: ClinVar variation 1496128 (VCV001496128.6), dbSNP rs2132809157, ClinGen allele CA467878018.
Genomic context (GRCh38, chr9:137,818,060, plus strand): 5'-CTTGTCTGTGGGCAGTGCTCGCTGCCTTCCAGGGCCTCACCTGCACCGCACCCTCTGCAG[G>A]TATGTTGGGGAGCTGATTTCAGACTCAGAAGCCGACGTTCGAGAGGAAGATTCTTACCTC-3'
Protein context (NP_079033.4, residues 1144-1164): QDIPPGTFVC[Glu1154=]YVGELISDSE